The following is an entry in ClinVar:

NM_000492.4(CFTR):c.2840T>G (p.Ile947Ser)

Gene: CFTR (CF transmembrane conductance regulator; plus strand). Cytogenetic location: 7q31.2.
Variant type: single nucleotide variant.
Coding change: c.2840T>G on transcript NM_000492.4 (MANE Select); coding-DNA position 2840, T replaced by G.
Protein change: p.Ile947Ser; replaces isoleucine 947 with serine.
Molecular consequence: missense variant.
Genome position (GRCh38, 1-based): chr7:117,603,714, T>G. VCF-style: chr7-117603714-T-G. GRCh37 (hg19) VCF-style: chr7-117243768-T-G.
Other names: short protein forms I947S.
Identifiers: ClinVar variation 3231869 (VCV003231869.1), dbSNP rs774142582, ClinGen allele CA368987193.
Genomic context (GRCh38, chr7:117,603,714, plus strand): 5'-TTGCTATGGGATTCTTCAGAGGTCTACCACTGGTGCATACTCTAATCACAGTGTCGAAAA[T>G]TTTACACCACAAAATGTTACATTCTGTTCTTCAAGCACCTATGTCAACCCTCAACACGTT-3'
Protein context (NP_000483.3, residues 937-957): LVHTLITVSK[Ile947Ser]LHHKMLHSVL

ClinVar aggregate classification (germline): Uncertain significance (1 of 4 stars; one submission).

Conditions:
Cystic fibrosis (CF). Also called: MUCOVISCIDOSIS. Identifiers: Orphanet 586, MedGen C0010674, MONDO:0009061, OMIM 219700. Disease mechanism: loss of function.

Submission:

Ambry Genetics
Classification: Uncertain significance for Cystic fibrosis. Last evaluated: 2023-10-08. Review status: criteria provided, single submitter. Criteria: Ambry Variant Classification Scheme 2023. Collection method: clinical testing. Allele origin: germline.
Comment: The p.I947S variant (also known as c.2840T>G), located in coding exon 17 of the CFTR gene, results from a T to G substitution at nucleotide position 2840. The isoleucine at codon 947 is replaced by serine, an amino acid with dissimilar properties. This amino acid position is conserved. In addition, the in silico prediction for this alteration is inconclusive. Since supporting evidence is limited at this time, the clinical significance of this alteration remains unclear.